The following is an entry in ClinVar:

NM_000289.6(PFKM):c.974T>C (p.Leu325Ser)

Gene: PFKM (phosphofructokinase, muscle; plus strand). Cytogenetic location: 12q13.11.
Variant type: single nucleotide variant.
Coding change: c.974T>C on transcript NM_000289.6 (MANE Select); coding-DNA position 974, T replaced by C.
Protein change: p.Leu325Ser; replaces leucine 325 with serine.
Molecular consequence: missense variant. On other transcripts: non-coding transcript variant (6), intron variant (1).
Genome position (GRCh38, 1-based): chr12:48,137,758, T>C. VCF-style: chr12-48137758-T-C. GRCh37 (hg19) VCF-style: chr12-48531541-T-C.
Other names: p.Leu325Ser; c.1187T>C, p.Leu396Ser (NM_001166686.2, NM_001354737.1, NM_001354738.1 and 1 more transcripts); c.974T>C, p.Leu325Ser (NM_001166687.2, NM_001166688.2, NM_001354742.2 and 2 more transcripts); c.1283T>C, p.Leu428Ser (NM_001354735.1, NM_001354736.1); c.1118T>C, p.Leu373Ser (NM_001354740.1); c.998T>C, p.Leu333Ser (NM_001354741.2); c.887T>C, p.Leu296Ser (NM_001354745.2); c.824T>C, p.Leu275Ser (NM_001354747.2, NM_001354748.2); and 2 more; short protein forms L275S, L294S, L296S, L325S, L333S, L373S, L396S, L428S.
Identifiers: ClinVar variation 3380102 (VCV003380102.1).

ClinVar aggregate classification (germline): Uncertain significance (1 of 4 stars; one submission).

gnomAD v4.1: 1 of 1,614,194 alleles (0.000062%); highest among the groups gnomAD compares: Non-Finnish European, 0.000085%; no homozygotes.

Submission:

Mayo Clinic Laboratories, Mayo Clinic
Classification: Uncertain significance. Last evaluated: 2024-03-12. Review status: criteria provided, single submitter. Criteria: ACMG Guidelines, 2015. Collection method: clinical testing. Allele origin: germline. Observed: 1 variant allele.
Comment: PP3, PM2_moderate